The following is an entry in ClinVar:

ClinVar aggregate classification (germline): Uncertain significance (1 of 4 stars; one submission).

Conditions:
Inborn genetic diseases. Identifiers: MedGen C0950123, MeSH D030342.

Submission:

Ambry Genetics
Classification: Uncertain significance for Inborn genetic diseases. Last evaluated: 2026-08-05. Review status: criteria provided, single submitter. Criteria: Ambry Variant Classification Scheme 2023. Collection method: clinical testing. Allele origin: germline.
Comment: The c.1615+4_1615+7delAGTA intronic variant begins 4 nucleotides after exon 14 (coding exon 14) in the DDX3X gene. This variant consists of a deletion of 4 nucleotides at positions c.1615+4 to c.1615+7. This variant was not reported in population-based cohorts in the Genome Aggregation Database (gnomAD). This nucleotide position is not well conserved in available vertebrate species. In silico splice site analysis predicts that this alteration may result in the creation or strengthening of a novel splice donor site. Based on insufficient or conflicting evidence, the clinical significance of this alteration remains unclear.

NM_001356.5(DDX3X):c.1615+4_1615+7del

Gene: DDX3X (DEAD-box helicase 3 X-linked; plus strand). Cytogenetic location: Xp11.4.
Variant type: Deletion.
Coding change: c.1615+4_1615+7del on transcript NM_001356.5 (MANE Select); bases 4 to 7 of the intron after coding-DNA position 1615, 4 bases deleted (AGTA; older notation c.1615+4_1615+7delAGTA).
Molecular consequence: splice donor variant.
Genome position (GRCh38, 1-based): chrX:41,346,626-41,346,629, AGTA deleted; deleting any 4 consecutive bases within chrX:41,346,623-41,346,629 gives the same sequence; the c. name uses the placement nearest the transcript's 3' end. VCF-style (leftmost placement, unchanged base first): chrX-41346622-GGTAA-G. GRCh37 (hg19) VCF-style: chrX-41205875-GGTAA-G.
Other names: c.1615+4_1615+7del (NM_001193416.3); c.1567+4_1567+7del (NM_001193417.3); c.1057+4_1057+7del (NM_001363819.1).
Identifiers: ClinVar variation 5035128 (VCV005035128.1).